The following is an entry in ClinVar:

NM_005267.5(GJA8):c.90C>A (p.Phe30Leu)

Gene: GJA8 (gap junction protein alpha 8; plus strand). Cytogenetic location: 1q21.2.
Variant type: single nucleotide variant.
Coding change: c.90C>A on transcript NM_005267.5 (MANE Select); coding-DNA position 90, C replaced by A.
Protein change: p.Phe30Leu; replaces phenylalanine 30 with leucine.
Molecular consequence: missense variant.
Genome position (GRCh38, 1-based): chr1:147,908,045, C>A. VCF-style: chr1-147908045-C-A. GRCh37 (hg19) VCF-style: chr1-147380172-C-A.
Other names: short protein forms F30L.
Identifiers: ClinVar variation 4056495 (VCV004056495.1).
Genomic context (GRCh38, chr1:147,908,045, plus strand): 5'-CTTGGAGGAGGTGAATGAGCACTCCACCGTCATCGGCAGAGTCTGGCTCACCGTGCTTTT[C>A]ATCTTCCGGATCCTCATCCTTGGCACGGCCGCAGAGTTCGTGTGGGGGGATGAGCAATCC-3'
Protein context (NP_005258.2, residues 20-40): VIGRVWLTVL[Phe30Leu]IFRILILGTA

ClinVar aggregate classification (germline): Uncertain significance (1 of 4 stars; one submission).

Conditions:
Cataract 1 multiple types. Also called: CATARACT, DUFFY-LINKED; CATARACT 1, NUCLEAR PROGRESSIVE; CATARACT 1 WITH MICROCORNEA; CATARACT 1, MULTIPLE TYPES, WITH OR WITHOUT MICROCORNEA; CATARACT 1, POSTERIOR SUBCAPSULAR, WITH MICROCORNEA; CATARACT 1, STELLATE NUCLEAR, WITH MICROCORNEA. Identifiers: Orphanet 1377, MedGen C1861828, MONDO:0007285, OMIM 116200.

Submission:

Laboratorio de Genetica e Diagnostico Molecular, Hospital Israelita Albert Einstein
Classification: Uncertain significance for Cataract 1 multiple types. Last evaluated: 2023-11-16. Review status: criteria provided, single submitter. Criteria: ACMG Guidelines, 2015. Collection method: clinical testing. Allele origin: germline. Affected: yes.
Comment: ACMG classification criteria: PM2 moderate, PP3 supporting